The following is an entry in ClinVar:

NM_001429.4(EP300):c.6183C>T (p.Pro2061=)

Gene: EP300 (EP300 lysine acetyltransferase; plus strand). Cytogenetic location: 22q13.2.
Variant type: single nucleotide variant.
Coding change: c.6183C>T on transcript NM_001429.4 (MANE Select); coding-DNA position 6183, C replaced by T.
Protein change: p.Pro2061=; no amino-acid change (proline 2061 retained).
Molecular consequence: synonymous variant.
Genome position (GRCh38, 1-based): chr22:41,177,894, C>T. VCF-style: chr22-41177894-C-T. GRCh37 (hg19) VCF-style: chr22-41573898-C-T.
Other names: c.6183C>T (NM_001429.3); c.6105C>T, p.Pro2035= (NM_001362843.2).
Identifiers: ClinVar variation 1551141 (VCV001551141.11), dbSNP rs2059211875, ClinGen allele CA514794682.

ClinVar aggregate classification (germline): Likely benign. Review status: criteria provided, multiple submitters, no conflicts (2 of 4 stars). 3 submissions from 3 submitters: Likely benign (3). Last evaluated 2025-01-23.

Conditions:
Rubinstein-Taybi syndrome due to EP300 haploinsufficiency. Also called: RUBINSTEIN-TAYBI SYNDROME 2; EP300-Related Rubinstein-Taybi Syndrome. Identifiers: Orphanet 353284, Orphanet 783, MedGen C3150941, MONDO:0013364, OMIM 613684.
EP300-related disorder. Also called: EP300-related disorders; EP300-related condition.

Allele frequency attached by ClinVar (database versions not stated): TOPMed below 0.00001; gnomAD exomes 0.00001.
gnomAD v4.1: 12 of 1,614,208 alleles (0.00074%); highest among the groups gnomAD compares: African/African-American, 0.0013%; no homozygotes.

Submissions (3):

Labcorp Genetics (formerly Invitae), Labcorp
Classification: Likely benign for Rubinstein-Taybi syndrome due to EP300 haploinsufficiency. Last evaluated: 2025-01-23. Review status: criteria provided, single submitter. Criteria: Invitae Variant Classification Sherloc (09022015). Collection method: clinical testing. Allele origin: germline.

PreventionGenetics, part of Exact Sciences
Classification: Likely benign for EP300-related condition. Last evaluated: 2024-10-14. Review status: criteria provided, single submitter. Criteria: ACMG Guidelines, 2015. Collection method: clinical testing. Allele origin: germline.
Comment: This variant is classified as likely benign based on ACMG/AMP sequence variant interpretation guidelines (Richards et al. 2015 PMID: 25741868, with internal and published modifications).

Blueprint Genetics
Classification: Likely benign. Last evaluated: 2020-10-30. Review status: criteria provided, single submitter. Criteria: ACMG Guidelines, 2015. Collection method: clinical testing. Allele origin: germline.